The following is an entry in ClinVar:

NM_173483.4(CYP4F22):c.844C>T (p.Arg282Trp)

Gene: CYP4F22 (cytochrome P450 family 4 subfamily F member 22; plus strand). Cytogenetic location: 19p13.12.
Variant type: single nucleotide variant.
Coding change: c.844C>T on transcript NM_173483.4 (MANE Select); coding-DNA position 844, C replaced by T.
Protein change: p.Arg282Trp; replaces arginine 282 with tryptophan.
Molecular consequence: missense variant.
Genome position (GRCh38, 1-based): chr19:15,540,622, C>T. VCF-style: chr19-15540622-C-T. GRCh37 (hg19) VCF-style: chr19-15651433-C-T.
Other names: short protein forms R282W.
Identifiers: ClinVar variation 560334 (VCV000560334.7), dbSNP rs767352854, ClinGen allele CA9269712.

ClinVar aggregate classification (germline): Pathogenic. Review status: criteria provided, single submitter (1 of 4 stars). 2 submissions from 2 submitters: Pathogenic (1). 1 of the submissions does not count toward it. Last evaluated 2024-12-26.

Conditions:
Autosomal recessive congenital ichthyosis 5 (ARCI5). Also called: Ichthyosis, nonlamellar and nonerythrodermic, congenital, autosomal recessive; ICHTHYOSIS CONGENITA III. Identifiers: Orphanet 313, MedGen C1858133, MONDO:0011485, OMIM 604777.
Lamellar ichthyosis. Identifiers: Orphanet 313, MedGen C5848247, MONDO:0017778.

Allele frequency attached by ClinVar (database versions not stated): gnomAD exomes 0.00001; TOPMed 0.00001; ExAC 0.00002.

Submissions (2):

Women's Health and Genetics/Laboratory Corporation of America, LabCorp
Classification: Pathogenic for Lamellar ichthyosis. Last evaluated: 2024-12-26. Review status: criteria provided, single submitter. Criteria: LabCorp Variant Classification Summary - May 2015. Collection method: clinical testing. Allele origin: germline.
Comment: Variant summary: CYP4F22 c.844C>T (p.Arg282Trp) results in a non-conservative amino acid change located in the Cytochrome P450 domain of the encoded protein sequence. Five of five in-silico tools predict a damaging effect of the variant on protein function. The variant allele was found at a frequency of 1.2e-05 in 251196 control chromosomes. c.844C>T has been reported in the literature in multiple individuals affected with Lamellar Ichthyosis. These data indicate that the variant is very likely to be associated with disease. At least one publication reports experimental evidence evaluating an impact on protein expression. The most pronounced variant effect results in about 50% of normal protein expression. The following publications have been ascertained in the context of this evaluation (PMID: 25998749, 34983512, 27735052, 35014717). ClinVar contains an entry for this variant (Variation ID: 560334). Based on the evidence outlined above, the variant was classified as pathogenic.

Institute for Human Genetics, University Medical Center Freiburg
Classification: Pathogenic for Autosomal recessive congenital ichthyosis 5. Last evaluated: 2018-04-23. Review status: no assertion criteria provided. Collection method: clinical testing. Allele origin: germline. Affected: yes. Not counted in ClinVar's aggregate classification.

Literature cited by the submitters: PubMed 25998749 (cited by Women's Health and Genetics/Laboratory Corporation of America, LabCorp and Institute for Human Genetics, University Medical Center Freiburg); PubMed 35014717 (cited by Women's Health and Genetics/Laboratory Corporation of America, LabCorp); PubMed 34983512 (cited by Women's Health and Genetics/Laboratory Corporation of America, LabCorp); PubMed 27735052 (cited by Women's Health and Genetics/Laboratory Corporation of America, LabCorp).